The following is an entry in ClinVar:

NM_002692.4(POLE2):c.1280G>A (p.Cys427Tyr)

Gene: POLE2 (DNA polymerase epsilon 2, accessory subunit; minus strand). Cytogenetic location: 14q21.3.
Variant type: single nucleotide variant.
Coding change: c.1280G>A on transcript NM_002692.4 (MANE Select); coding-DNA position 1280, G replaced by A.
Protein change: p.Cys427Tyr; replaces cysteine 427 with tyrosine.
Molecular consequence: missense variant.
Genome position (GRCh38, 1-based): chr14:49,651,309, C>T on the plus strand (G>A on the coding strand, the complement: POLE2 is on the minus strand). VCF-style: chr14-49651309-C-T. GRCh37 (hg19) VCF-style: chr14-50118027-C-T.
Other names: c.1202G>A, p.Cys401Tyr (NM_001197330.2); c.1280G>A, p.Cys427Tyr (NM_001197331.3); c.1277G>A, p.Cys426Tyr (NM_001348384.2); c.1049G>A, p.Cys350Tyr (NM_001348385.2); short protein forms C401Y, C426Y, C350Y, C427Y.
Identifiers: ClinVar variation 4716047 (VCV004716047.1).
Genomic context (GRCh38, chr14:49,651,309, plus strand): 5'-AAAAAAGTTGTTTCACTTACGTGATTAGGAATAGCCAAATTGCTGCTAGGAAAACGGACG[C>T]AGTTTCTGCACATTTTATTTACTAAGTCTTCACGGAAGACAGTAATTTCCTGTGTACAGT-3'
Protein context (NP_002683.2, residues 417-437): EDLVNKMCRN[Cys427Tyr]VRFPSSNLAI

ClinVar aggregate classification (germline): Uncertain significance (1 of 4 stars; one submission).

Submission:

Labcorp Genetics (formerly Invitae), Labcorp
Classification: Uncertain significance. Last evaluated: 2025-03-26. Review status: criteria provided, single submitter. Criteria: Invitae Variant Classification Sherloc (09022015). Collection method: clinical testing. Allele origin: germline.
Comment: This sequence change replaces cysteine, which is neutral and slightly polar, with tyrosine, which is neutral and polar, at codon 427 of the POLE2 protein (p.Cys427Tyr). This variant is not present in population databases (gnomAD no frequency). This variant has not been reported in the literature in individuals affected with POLE2-related conditions. An algorithm developed to predict the effect of missense changes on protein structure and function (PolyPhen-2) suggests that this variant is likely to be disruptive. In summary, the available evidence is currently insufficient to determine the role of this variant in disease. Therefore, it has been classified as a Variant of Uncertain Significance.